The following is an entry in ClinVar:

NM_000717.5(CA4):c.513+5G>T

Gene: CA4 (carbonic anhydrase 4; plus strand). Cytogenetic location: 17q23.1.
Variant type: single nucleotide variant.
Coding change: c.513+5G>T on transcript NM_000717.5 (MANE Select); 5 bases into the intron after coding-DNA position 513, G replaced by T.
Molecular consequence: intron variant.
Genome position (GRCh38, 1-based): chr17:60,157,793, G>T. VCF-style: chr17-60157793-G-T. GRCh37 (hg19) VCF-style: chr17-58235154-G-T.
Identifiers: ClinVar variation 1408910 (VCV001408910.6), dbSNP rs1364178011, ClinGen allele CA773669052.

ClinVar aggregate classification (germline): Uncertain significance (1 of 4 stars; one submission).

gnomAD v4.1: 1 of 1,610,240 alleles (0.000062%); highest among the groups gnomAD compares: Non-Finnish European, 0.000085%; no homozygotes.

Submission:

Labcorp Genetics (formerly Invitae), Labcorp
Classification: Uncertain significance. Last evaluated: 2024-02-24. Review status: criteria provided, single submitter. Criteria: Invitae Variant Classification Sherloc (09022015). Collection method: clinical testing. Allele origin: germline.
Comment: This sequence change falls in intron 5 of the CA4 gene. It does not directly change the encoded amino acid sequence of the CA4 protein. It affects a nucleotide within the consensus splice site. This variant is not present in population databases (gnomAD no frequency). This variant has not been reported in the literature in individuals affected with CA4-related conditions. ClinVar contains an entry for this variant (Variation ID: 1408910). Variants that disrupt the consensus splice site are a relatively common cause of aberrant splicing (PMID: 17576681, 9536098). Algorithms developed to predict the effect of sequence changes on RNA splicing suggest that this variant may disrupt the consensus splice site. In summary, the available evidence is currently insufficient to determine the role of this variant in disease. Therefore, it has been classified as a Variant of Uncertain Significance.

Literature cited by the submitters: PubMed 17576681; PubMed 9536098.